The following is an entry in ClinVar:

ClinVar aggregate classification (germline): Uncertain significance. Review status: criteria provided, multiple submitters, no conflicts (2 of 4 stars). 2 submissions from 2 submitters: Uncertain significance (2). Last evaluated 2025-09-16.

Conditions:
Hereditary cancer-predisposing syndrome. Also called: Tumor predisposition; Hereditary neoplastic syndrome; Neoplastic Syndromes, Hereditary; Hereditary Cancer Syndrome. Identifiers: Orphanet 140162, MedGen C0027672, MeSH D009386, MONDO:0015356.

Allele frequency attached by ClinVar (database versions not stated): gnomAD exomes below 0.00001; ExAC 0.00001.
gnomAD v4.1: 1 of 1,613,142 alleles (0.000062%); highest among the groups gnomAD compares: Non-Finnish European, 0.000085%; no homozygotes.

Submissions (2):

Labcorp Genetics (formerly Invitae), Labcorp
Classification: Uncertain significance. Last evaluated: 2025-09-16. Review status: criteria provided, single submitter. Criteria: Invitae Variant Classification Sherloc (09022015). Collection method: clinical testing. Allele origin: germline.
Comment: This sequence change replaces lysine, which is basic and polar, with arginine, which is basic and polar, at codon 735 of the MSH3 protein (p.Lys735Arg). This variant is present in population databases (rs775965601, gnomAD 0.0009%). This variant has not been reported in the literature in individuals affected with MSH3-related conditions. ClinVar contains an entry for this variant (Variation ID: 959114). An algorithm developed to predict the effect of missense changes on protein structure and function outputs the following: PolyPhen-2: "Benign". The arginine amino acid residue is found in multiple mammalian species, which suggests that this missense change does not adversely affect protein function. In summary, the available evidence is currently insufficient to determine the role of this variant in disease. Therefore, it has been classified as a Variant of Uncertain Significance.

Ambry Genetics
Classification: Uncertain significance for Hereditary cancer-predisposing syndrome. Last evaluated: 2024-04-13. Review status: criteria provided, single submitter. Criteria: Ambry Variant Classification Scheme 2023. Collection method: clinical testing. Allele origin: germline.
Comment: The p.K735R variant (also known as c.2204A>G), located in coding exon 15 of the MSH3 gene, results from an A to G substitution at nucleotide position 2204. The lysine at codon 735 is replaced by arginine, an amino acid with highly similar properties. This amino acid position is conserved. In addition, this alteration is predicted to be tolerated by in silico analysis. Based on the available evidence, the clinical significance of this variant remains unclear.

NM_002439.5(MSH3):c.2204A>G (p.Lys735Arg)

Gene: MSH3 (mutS homolog 3; plus strand). Cytogenetic location: 5q14.1.
Variant type: single nucleotide variant.
Coding change: c.2204A>G on transcript NM_002439.5 (MANE Select); coding-DNA position 2204, A replaced by G.
Protein change: p.Lys735Arg; replaces lysine 735 with arginine.
Molecular consequence: missense variant.
Genome position (GRCh38, 1-based): chr5:80,768,954, A>G. VCF-style: chr5-80768954-A-G. GRCh37 (hg19) VCF-style: chr5-80064773-A-G.
Other names: c.2204A>G (NM_002439.3); short protein forms K735R.
Identifiers: ClinVar variation 959114 (VCV000959114.8), dbSNP rs775965601, ClinGen allele CA3328163.
Genomic context (GRCh38, chr5:80,768,954, plus strand): 5'-GGAAGGATGAAATTCAAGGTGTTATTGACGAGATCCGAATGCATTTGCAAGAAATACGAA[A>G]AATACTAAAAAATCCTTCTGCACAATATGTGACAGTATCAGGACAGGAGGTAATGTCAAG-3'
Protein context (NP_002430.3, residues 725-745): EIRMHLQEIR[Lys735Arg]ILKNPSAQYV